The following is an entry in ClinVar:

ClinVar aggregate classification (germline): Benign. Review status: criteria provided, single submitter (1 of 4 stars). 2 submissions from 2 submitters: Benign (1). 1 of the submissions does not count toward it. Last evaluated 2024-12-06.

Conditions:
MYH9-related disorder. Identifiers: MedGen C1854520.

Allele frequency attached by ClinVar (database versions not stated): ExAC 0.00001; gnomAD 0.00001; gnomAD exomes 0.00001; TOPMed 0.00002.
gnomAD v4.1: 18 of 1,613,674 alleles (0.0011%); highest among the groups gnomAD compares: South Asian, 0.0044%; no homozygotes.

Submissions (2):

Labcorp Genetics (formerly Invitae), Labcorp
Classification: Benign. Last evaluated: 2024-12-06. Review status: criteria provided, single submitter. Criteria: Invitae Variant Classification Sherloc (09022015). Collection method: clinical testing. Allele origin: germline.

PreventionGenetics, part of Exact Sciences
Classification: Likely benign for MYH9-related condition. Last evaluated: 2019-10-02. Review status: no assertion criteria provided. Collection method: clinical testing. Allele origin: germline. Not counted in ClinVar's aggregate classification.
Comment: This variant is classified as likely benign based on ACMG/AMP sequence variant interpretation guidelines (Richards et al. 2015 PMID: 25741868, with internal and published modifications).

NM_002473.6(MYH9):c.2340C>T (p.Thr780=)

Gene: MYH9 (myosin heavy chain 9; minus strand). Cytogenetic location: 22q12.3.
Variant type: single nucleotide variant.
Coding change: c.2340C>T on transcript NM_002473.6 (MANE Select); coding-DNA position 2340, C replaced by T.
Protein change: p.Thr780=; no amino-acid change (threonine 780 retained).
Molecular consequence: synonymous variant.
Genome position (GRCh38, 1-based): chr22:36,304,045, G>A on the plus strand (C>T on the coding strand, the complement: MYH9 is on the minus strand). VCF-style: chr22-36304045-G-A. GRCh37 (hg19) VCF-style: chr22-36700091-G-A.
Identifiers: ClinVar variation 3040640 (VCV003040640.4), dbSNP rs370156367, ClinGen allele CA10210012.